The following is an entry in ClinVar:

ClinVar aggregate classification (germline): Likely benign (1 of 4 stars; one submission).

gnomAD v4.1: 14 of 1,208,475 alleles (0.0012%); highest among the groups gnomAD compares: Middle Eastern, 0.069%; no homozygotes.

Submission:

CeGaT Center for Human Genetics Tuebingen
Classification: Likely benign. Last evaluated: 2025-10-01. Review status: criteria provided, single submitter. Criteria: CeGaT Center For Human Genetics Tuebingen Variant Classification Criteria Version 2. Collection method: clinical testing. Allele origin: germline. Affected: yes. Observed: 1 variant allele.
Comment: TAF1: BP4, BS2

NM_004606.5(TAF1):c.934-6T>C

Gene: TAF1 (TATA-box binding protein associated factor 1; plus strand). Cytogenetic location: Xq13.1.
Variant type: single nucleotide variant.
Coding change: c.934-6T>C on transcript NM_004606.5 (MANE Select); 6 bases into the intron before coding-DNA position 934, T replaced by C.
Molecular consequence: intron variant.
Genome position (GRCh38, 1-based): chrX:71,378,229, T>C. VCF-style: chrX-71378229-T-C. GRCh37 (hg19) VCF-style: chrX-70598079-T-C.
Other names: c.934-6T>C (NM_001440852.1, NM_001440853.1, NM_001286074.2); c.871-6T>C (NM_001440854.1, NM_138923.4).
Identifiers: ClinVar variation 4534312 (VCV004534312.6).